The following is an entry in ClinVar:

NM_002834.5(PTPN11):c.957C>T (p.Asn319=)

Gene: PTPN11 (protein tyrosine phosphatase non-receptor type 11; plus strand). Cytogenetic location: 12q24.13.
Variant type: single nucleotide variant.
Coding change: c.957C>T on transcript NM_002834.5 (MANE Select); coding-DNA position 957, C replaced by T.
Protein change: p.Asn319=; no amino-acid change (asparagine 319 retained).
Molecular consequence: synonymous variant.
Genome position (GRCh38, 1-based): chr12:112,477,880, C>T. VCF-style: chr12-112477880-C-T. GRCh37 (hg19) VCF-style: chr12-112915684-C-T.
Other names: c.957C>T, p.Asn319= (NM_080601.3, NM_001330437.2); c.954C>T, p.Asn318= (NM_001374625.1).
Identifiers: ClinVar variation 1311645 (VCV001311645.10), dbSNP rs771407775, ClinGen allele CA6798693.

ClinVar aggregate classification (germline): Conflicting classifications of pathogenicity. Review status: criteria provided, conflicting classifications (1 of 4 stars). 5 submissions from 5 submitters: Uncertain significance (2); Likely benign (3). Last evaluated 2025-09-27.

Conditions:
LEOPARD syndrome 1 (LPRD1). Also called: LENTIGINOSIS, CARDIOMYOPATHIC; MULTIPLE LENTIGINES SYNDROME; PTPN11-Related LEOPARD Syndrome. Identifiers: Orphanet 500, MedGen C4551484, MONDO:0100082, OMIM 151100.
Juvenile myelomonocytic leukemia (JMML). Also called: LEUKEMIA, JUVENILE MYELOMONOCYTIC, SOMATIC. Identifiers: Orphanet 86834, MedGen C0349639, MONDO:0011908, OMIM 607785, HP:0012209.
Metachondromatosis (METCDS). Identifiers: Orphanet 2499, MedGen C0410530, MONDO:0007979, OMIM 156250.
Noonan syndrome 1 (NS1). Also called: FEMALE PSEUDO-TURNER SYNDROME; TURNER PHENOTYPE WITH NORMAL KARYOTYPE; PTPN11-Related Noonan Syndrome. Identifiers: Orphanet 648, MedGen C4551602, MONDO:0008104, OMIM 163950. Disease mechanism: gain of function.
Cardiovascular phenotype. Identifiers: MedGen CN230736.
RASopathy. Also called: rasopathies; Noonan spectrum disorder. Identifiers: Orphanet 536391, MedGen C5555857, MONDO:0021060.

Allele frequency attached by ClinVar (database versions not stated): ExAC 0.00001; gnomAD 0.00001; TOPMed 0.00002.
gnomAD v4.1: 1 of 1,614,030 alleles (0.000062%); no homozygotes.

Submissions (5):

Labcorp Genetics (formerly Invitae), Labcorp
Classification: Likely benign for RASopathy. Last evaluated: 2025-09-27. Review status: criteria provided, single submitter. Criteria: Invitae Variant Classification Sherloc (09022015). Collection method: clinical testing. Allele origin: germline.

Women's Health and Genetics/Laboratory Corporation of America, LabCorp
Classification: Likely benign. Last evaluated: 2024-06-04. Review status: criteria provided, single submitter. Criteria: LabCorp Variant Classification Summary - May 2015. Collection method: clinical testing. Allele origin: germline.

GeneDx
Classification: Uncertain significance. Last evaluated: 2024-05-14. Review status: criteria provided, single submitter. Criteria: GeneDx Variant Classification Process June 2021. Collection method: clinical testing. Allele origin: germline. Affected: yes.
Comment: Has not been previously published as pathogenic or benign to our knowledge; Not observed at significant frequency in large population cohorts (gnomAD); In silico analysis indicates that this variant does not alter splicing

Fulgent Genetics
Classification: Uncertain significance for LEOPARD syndrome 1; Metachondromatosis; Noonan syndrome 1; Juvenile myelomonocytic leukemia. Last evaluated: 2022-01-07. Review status: criteria provided, single submitter. Criteria: ACMG Guidelines, 2015. Collection method: clinical testing. Allele origin: unknown.

Ambry Genetics
Classification: Likely benign for Cardiovascular phenotype. Last evaluated: 2021-05-06. Review status: criteria provided, single submitter. Criteria: Ambry Variant Classification Scheme 2023. Collection method: clinical testing. Allele origin: germline.